The following is an entry in ClinVar:

ClinVar aggregate classification (germline): Uncertain significance (1 of 4 stars; one submission).

Conditions:
Carnitine palmitoyltransferase II deficiency. Also called: Carnitine Palmitoyltransferase 2 Deficiency. Identifiers: Orphanet 157, MedGen C0342790, MONDO:0015515.

Allele frequency attached by ClinVar (database versions not stated): gnomAD exomes below 0.00001; ExAC 0.00001.

Submission:

Labcorp Genetics (formerly Invitae), Labcorp
Classification: Uncertain significance for Carnitine palmitoyltransferase II deficiency. Last evaluated: 2024-03-11. Review status: criteria provided, single submitter. Criteria: Invitae Variant Classification Sherloc (09022015). Collection method: clinical testing. Allele origin: germline.
Comment: This sequence change replaces valine, which is neutral and non-polar, with isoleucine, which is neutral and non-polar, at codon 256 of the CPT2 protein (p.Val256Ile). This variant is present in population databases (rs759640597, gnomAD 0.003%). This variant has not been reported in the literature in individuals affected with CPT2-related conditions. ClinVar contains an entry for this variant (Variation ID: 2040914). Advanced modeling of protein sequence and biophysical properties (such as structural, functional, and spatial information, amino acid conservation, physicochemical variation, residue mobility, and thermodynamic stability) performed at Invitae indicates that this missense variant is not expected to disrupt CPT2 protein function with a negative predictive value of 80%. In summary, the available evidence is currently insufficient to determine the role of this variant in disease. Therefore, it has been classified as a Variant of Uncertain Significance.

NM_000098.3(CPT2):c.766G>A (p.Val256Ile)

Gene: CPT2 (carnitine palmitoyltransferase 2; plus strand). Cytogenetic location: 1p32.3.
Variant type: single nucleotide variant.
Coding change: c.766G>A on transcript NM_000098.3 (MANE Select); coding-DNA position 766, G replaced by A.
Protein change: p.Val256Ile; replaces valine 256 with isoleucine.
Molecular consequence: missense variant.
Genome position (GRCh38, 1-based): chr1:53,210,440, G>A. VCF-style: chr1-53210440-G-A. GRCh37 (hg19) VCF-style: chr1-53676112-G-A.
Other names: c.766G>A, p.Val256Ile (NM_001330589.2); short protein forms V256I.
Identifiers: ClinVar variation 2040914 (VCV002040914.3), dbSNP rs759640597, ClinGen allele CA859046.